The following is an entry in ClinVar:

ClinVar aggregate classification (germline): Pathogenic. Review status: criteria provided, multiple submitters, no conflicts (2 of 4 stars). 15 submissions from 15 submitters: Pathogenic (13). 2 of the submissions do not count toward it. Last evaluated 2025-07-07.

Conditions:
GNAO1-related disorder. Also called: GNAO1-related condition; GNAO1-Related Disorders. Identifiers: MedGen CN381308.
Neurodevelopmental disorder with involuntary movements (NEDIM). Identifiers: Orphanet 592564, MedGen C4479569, MONDO:0060491, OMIM 617493.
Developmental and epileptic encephalopathy, 17 (DEE17). Also called: Early infantile epileptic encephalopathy 17. Identifiers: Orphanet 1934, MedGen C3809606, MONDO:0014199, OMIM 615473.
Early-infantile DEE. Also called: Ohtahara syndrome; Early infantile epileptic encephalopathy; Early infantile epileptic encephalopathy with suppression bursts. Identifiers: Orphanet 1934, MedGen C0393706, MONDO:0800491.
Inborn genetic diseases. Identifiers: MedGen C0950123, MeSH D030342.
Movement disorder. Also called: Movement disorders; Abnormality of movement. Identifiers: MedGen C0026650, MONDO:0005395, HP:0100022.

Submissions (15):

PreventionGenetics, part of Exact Sciences
Classification: Pathogenic for GNAO1-related condition. Last evaluated: 2025-07-07. Review status: criteria provided, single submitter. Criteria: ACMG Guidelines, 2015. Collection method: clinical testing. Allele origin: germline.
Comment: The GNAO1 c.625C>T variant is predicted to result in the amino acid substitution p.Arg209Cys. This variant has been reported as de novo in multiple individuals with intellectual disability, developmental delay, and movement disorders (see for examples: Saitsu et al. 2016. PubMed ID: 25966631; Evers. 2017. PubMed ID: 28688840; Brunet et al. 2021. PubMed ID: 33619735). Alternate substitutions of this amino acid residue (p.Arg209His, p.Arg209Gly, p.Arg209Pro) have also been reported as de novo in individuals with intellectual disability and movement disorders (Kelly et al. 2019. PubMed ID: 30682224; Ananth et al. 2016. PubMed ID: 27068059; Table S3, van der Ven et al. 2021. PubMed ID: 34490615). This variant is absent in a large population database (gnomAD), indicating this variant is rare. This variant is interpreted as pathogenic.

Genomic Medicine Center of Excellence, King Faisal Specialist Hospital and Research Centre
Classification: Pathogenic for Neurodevelopmental disorder with involuntary movements. Last evaluated: 2024-09-22. Review status: criteria provided, single submitter. Criteria: ACMG Guidelines, 2015. Collection method: clinical testing. Allele origin: germline.

Labcorp Genetics (formerly Invitae), Labcorp
Classification: Pathogenic for Early-infantile DEE. Last evaluated: 2023-11-20. Review status: criteria provided, single submitter. Criteria: Invitae Variant Classification Sherloc (09022015). Collection method: clinical testing. Allele origin: germline.
Comment: This sequence change replaces arginine, which is basic and polar, with cysteine, which is neutral and slightly polar, at codon 209 of the GNAO1 protein (p.Arg209Cys). This variant is not present in population databases (gnomAD no frequency). This missense change has been observed in individual(s) with early infantile epileptic encephalopathy (PMID: 25966631, 27864847, 28357411, 28688840). In at least one individual the variant was observed to be de novo. ClinVar contains an entry for this variant (Variation ID: 265350). Advanced modeling of protein sequence and biophysical properties (such as structural, functional, and spatial information, amino acid conservation, physicochemical variation, residue mobility, and thermodynamic stability) performed at Invitae indicates that this missense variant is expected to disrupt GNAO1 protein function with a positive predictive value of 95%. This variant disrupts the p.Arg209 amino acid residue in GNAO1. Other variant(s) that disrupt this residue have been determined to be pathogenic (PMID: 26060304, 27068059, 27625011). This suggests that this residue is clinically significant, and that variants that disrupt this residue are likely to be disease-causing. For these reasons, this variant has been classified as Pathogenic.

GeneDx
Classification: Pathogenic. Last evaluated: 2022-01-28. Review status: criteria provided, single submitter. Criteria: GeneDx Variant Classification Process June 2021. Collection method: clinical testing. Allele origin: germline. Affected: yes.
Comment: Not observed at significant frequency in large population cohorts (gnomAD); In silico analysis supports that this missense variant has a deleterious effect on protein structure/function; This variant is associated with the following publications: (PMID: 28688840, 28357411, 25966631, 27864847, 28747448, 28628939, 27916449, 25533962, 30682224, 28191890, 28668776, 30642806, 31190250, 32581362, 33446253, 33098801, 33358199, 33619735)

3billion
Classification: Pathogenic for Developmental and epileptic encephalopathy, 17. Last evaluated: 2021-10-02. Review status: criteria provided, single submitter. Criteria: ACMG Guidelines, 2015. Collection method: clinical testing. Allele origin: unknown. Affected: yes. Observed: 1 heterozygote.
Comment: Same nucleotide change resulting in same amino acid change has been previously reported multiple times as de novo in similarly affected indivisual (PMID: 25533962, 28688840 PS2, PS4). The missense variant is located in a mutational hot spot and/or well-established functional domain in which established pathogenic variants have been reported (PM1). It is not observed in the gnomAD v2.1.1 dataset (PM2). A different missense change at the same codon (p.Arg209Leu and Arg209His) has been reported as pathogenic (VCV000431699.1, VCV000208677.6, PM5). In silico tool predictions suggest damaging effect of the variant on gene or gene product (REVEL: 0.888, 3Cnet: 0.960, PP3). Therefore, this variant is classified as pathogenic according to the recommendation of ACMG/AMP guideline.

Blueprint Genetics
Classification: Pathogenic for GNAO1-related disorders. Last evaluated: 2021-09-21. Review status: criteria provided, single submitter. Criteria: ACMG Guidelines, 2015. Collection method: clinical testing. Allele origin: germline. Affected: yes. Observed: 3 variant alleles.

Institute of Medical Genetics and Applied Genomics, University Hospital Tübingen
Classification: Pathogenic. Last evaluated: 2020-10-23. Review status: criteria provided, single submitter. Criteria: ACMG Guidelines, 2015. Collection method: clinical testing. Allele origin: germline. Inheritance: Unknown mechanism. Affected: yes.

Institute of Human Genetics Munich, TUM University Hospital
Classification: Pathogenic for Neurodevelopmental disorder with involuntary movements. Last evaluated: 2020-08-17. Review status: criteria provided, single submitter. Criteria: Classification criteria August 2017. Collection method: clinical testing. Allele origin: de novo. Inheritance: Autosomal dominant inheritance. Affected: yes. Observed: 2 variant alleles.

Knight Diagnostic Laboratories, Oregon Health and Sciences University
Classification: Pathogenic for Neurodevelopmental disorder with involuntary movements. Last evaluated: 2019-01-18. Review status: criteria provided, single submitter. Criteria: ACMG Guidelines, 2015. Collection method: clinical testing. Allele origin: germline. Affected: yes. Observed: 1 variant allele.

CeGaT Center for Human Genetics Tuebingen
Classification: Pathogenic. Last evaluated: 2019-01-01. Review status: criteria provided, single submitter. Criteria: CeGaT Center For Human Genetics Tuebingen Variant Classification Criteria Version 2. Collection method: clinical testing. Allele origin: germline. Affected: yes. Observed: 1 variant allele.

Illumina Laboratory Services, Illumina
Classification: Pathogenic for Neurodevelopmental disorder with involuntary movements. Last evaluated: 2018-12-03. Review status: criteria provided, single submitter. Criteria: ICSLVariantClassificationCriteria RUGD 01 April 2020. Collection method: clinical testing. Allele origin: unknown.
Comment: The GNAO1 c.625 C>T p.(Arg209Cys) missense variant has been reported in four studies, in which it is found in a heterozygous state in a total of six individuals with a phenotype consistent with neurodevelopmental disorder with involuntary movements (Saitsu et al. 2016; Danti et al. 2017; Koy et al. 2018; Waak et al. 2018). In each case the variant was found to arise de novo. This variant is not observed in version 2.1.1 of the Genome Aggregation Database. The Arg209Cys is located at a highly conserved residue. Four other variants affecting the Arg209 residue have been described, all of which are associated with a prominent movement disorder phenotype, with a low prevalence of epilepsy, Indeed, thirty percent of GNAO1 pathogenic missense variants are reported to be localised at the Arg209 residue (Tommaso et al. 2018). In silico homology modelling predicts that the Arg209 residue is required for the stability of the GNAO1 heterocomplex in the GTP bound form, however the GNAO1 p.(Arg209Cys) variant did not affect protein activity when expressed in a heterologous cell culture system (Saitsu et al. 2016; Feng et al. 2017). Based on the available evidence, the c.625 C>T p.(Arg209Cys) variant is classified as pathogenic for GNAO1-related movement disorder.

Baylor Genetics
Classification: Pathogenic for Neurodevelopmental disorder with involuntary movements. Last evaluated: 2018-08-13. Review status: criteria provided, single submitter. Criteria: ACMG Guidelines, 2015. Collection method: clinical testing. Allele origin: unknown. Affected: yes.
Comment: This variant was determined to be pathogenic according to ACMG Guidelines, 2015 [PMID:25741868]. This variant has been previously in multiple individuals with intellectual disability, developmental delay, and movement disorders [PMID 25966631, 28357411, 28688840, 27864847, 27916449]

Ambry Genetics
Classification: Pathogenic for Inborn genetic diseases. Last evaluated: 2015-10-07. Review status: criteria provided, single submitter. Criteria: Ambry exome assertion method (8-5-2015). Collection method: clinical testing. Allele origin: germline. Affected: yes. Observed: 2 variant alleles.

OMIM
Classification: Pathogenic for NEURODEVELOPMENTAL DISORDER WITH INVOLUNTARY MOVEMENTS. Last evaluated: 2017-06-02. Review status: no assertion criteria provided. Collection method: literature only. Allele origin: germline. Not counted in ClinVar's aggregate classification.

NIHR Bioresource Rare Diseases, University of Cambridge
Classification: Likely pathogenic for Movement disorder. Review status: no assertion criteria provided. Collection method: research. Allele origin: unknown. Affected: yes. Observed: 1 variant allele. Not counted in ClinVar's aggregate classification.

Literature cited by the submitters: PubMed 25966631 (cited by 4 submitters); PubMed 27864847 (cited by Labcorp Genetics (formerly Invitae), Labcorp and Baylor Genetics); PubMed 28357411 (cited by 5 submitters); PubMed 28688840 (cited by 3 submitters); PubMed 26060304 (cited by Labcorp Genetics (formerly Invitae), Labcorp and Ambry Genetics); PubMed 27068059 (cited by Labcorp Genetics (formerly Invitae), Labcorp and Ambry Genetics); PubMed 27625011 (cited by Labcorp Genetics (formerly Invitae), Labcorp); PubMed 25533962 (cited by 3billion); PubMed 27916449 (cited by Baylor Genetics); PubMed 23993195 (cited by Ambry Genetics); PubMed 32581362 (cited by NIHR Bioresource Rare Diseases, University of Cambridge).

NM_020988.3(GNAO1):c.625C>T (p.Arg209Cys)

Gene: GNAO1 (G protein subunit alpha o1; plus strand). Cytogenetic location: 16q13.
Variant type: single nucleotide variant.
Coding change: c.625C>T on transcript NM_020988.3 (MANE Select); coding-DNA position 625, C replaced by T.
Protein change: p.Arg209Cys; replaces arginine 209 with cysteine.
Molecular consequence: missense variant.
Genome position (GRCh38, 1-based): chr16:56,336,762, C>T. VCF-style: chr16-56336762-C-T. GRCh37 (hg19) VCF-style: chr16-56370674-C-T.
Other names: c.625C>T, p.Arg209Cys (NM_138736.3); short protein forms R209C.
Identifiers: ClinVar variation 265350 (VCV000265350.80), dbSNP rs886039494, ClinGen allele CA10588619.